The following is an entry in ClinVar:

NM_000441.2(SLC26A4):c.-66C>G

Genes: SLC26A4 (solute carrier family 26 member 4; plus strand), SLC26A4-AS1 (SLC26A4 antisense RNA 1; minus strand). Cytogenetic location: 7q22.3.
Variant type: single nucleotide variant.
Coding change: c.-66C>G on transcript NM_000441.2 (MANE Select); 66 bases upstream of the start codon, C replaced by G.
Genome position (GRCh38, 1-based): chr7:107,660,793, C>G. VCF-style: chr7-107660793-C-G. GRCh37 (hg19) VCF-style: chr7-107301238-C-G.
Identifiers: ClinVar variation 43487 (VCV000043487.12), dbSNP rs17154282, ClinGen allele CA132649.
Genomic context (GRCh38, chr7:107,660,793, plus strand): 5'-TTCCCTTCGACCAAGGTGTCTGTTGCTCCGTAAATAAAACGTCCCACTGCCTTCTGAGAG[C>G]GCTATAAAGGCAGCGGAAGGGTAGTCCGCGGGGCATTCCGGGCGGGGCGCGAGCAGAGAC-3'

ClinVar aggregate classification (germline): Benign/Likely benign. Review status: criteria provided, multiple submitters, no conflicts (2 of 4 stars). 5 submissions from 4 submitters: Benign (2); Likely benign (2). 1 of the submissions does not count toward it. Last evaluated 2017-04-27.

Conditions:
Autosomal recessive nonsyndromic hearing loss 4 (DFNB4). Also called: Nonsyndromic enlarged vestibular aqueduct (NSEVA); FOXI1-Related Pendred Syndrome; KCNJ10-Related Pendred Syndrome; Deafness, autosomal recessive 4, with enlarged vestibular aqueduct; DEAFNESS, AUTOSOMAL RECESSIVE 4, WITH ENLARGED VESTIBULAR AQUEDUCT, DIGENIC; NEUROSENSORY NONSYNDROMIC RECESSIVE DEAFNESS 4. Identifiers: Orphanet 90636, MedGen C3538946, MONDO:0010933, OMIM 600791.
Pendred syndrome (PDS). Also called: Pendred's syndrome; DEAFNESS WITH GOITER; GOITER-DEAFNESS SYNDROME; HYPOTHYROIDISM, CONGENITAL, DUE TO DYSHORMONOGENESIS, 2B; Pendred Syndrome (PDS); THYROID DYSHORMONOGENESIS 2B. Identifiers: Orphanet 705, MedGen C0271829, MONDO:0010134, OMIM 274600.

Allele frequency attached by ClinVar (database versions not stated): TOPMed 0.08752; 1000 Genomes Project 0.08766; 1000 Genomes Project 30x 0.08869.

Submissions (5):

Illumina Laboratory Services, Illumina
Classification: Likely benign for Pendred syndrome. Last evaluated: 2017-04-27. Review status: criteria provided, single submitter. Criteria: ICSL Variant Classification Criteria 13 December 2019. Collection method: clinical testing. Allele origin: germline.
Comment: This variant was observed as part of a predisposition screen in an ostensibly healthy population. A literature search was performed for the gene, cDNA change, and amino acid change (where applicable). No publications were found based on this search. Allele frequency data from public databases allowed determination this variant is unlikely to cause disease. Therefore, this variant is classified as likely benign.

Illumina Laboratory Services, Illumina
Classification: Likely benign for Autosomal recessive nonsyndromic hearing loss 4. Last evaluated: 2017-04-27. Review status: criteria provided, single submitter. Criteria: ICSL Variant Classification Criteria 13 December 2019. Collection method: clinical testing. Allele origin: germline.
Comment: the same text as in the submission from Illumina Laboratory Services, Illumina above.

GeneDx
Classification: Benign. Last evaluated: 2015-03-03. Review status: criteria provided, single submitter. Criteria: GeneDx Variant Classification Process June 2021. Collection method: clinical testing. Allele origin: germline. Affected: yes.

Laboratory for Molecular Medicine, Mass General Brigham Personalized Medicine
Classification: Benign. Last evaluated: 2009-08-18. Review status: criteria provided, single submitter. Criteria: LMM Criteria. Collection method: clinical testing. Allele origin: germline. Observed: 114 variant alleles.

Natera, Inc.
Classification: Benign for Pendred syndrome. Last evaluated: 2020-09-16. Review status: no assertion criteria provided. Collection method: clinical testing. Allele origin: germline. Not counted in ClinVar's aggregate classification.